The following is an entry in ClinVar:

ClinVar aggregate classification (germline): Uncertain significance (1 of 4 stars; one submission).

Conditions:
Perlman syndrome (PRLMNS). Identifiers: Orphanet 2849, MedGen C0796113, MONDO:0009965, OMIM 267000.

Allele frequency attached by ClinVar (database versions not stated): gnomAD exomes below 0.00001.

Submission:

Labcorp Genetics (formerly Invitae), Labcorp
Classification: Uncertain significance for Perlman syndrome. Last evaluated: 2023-02-22. Review status: criteria provided, single submitter. Criteria: Invitae Variant Classification Sherloc (09022015). Collection method: clinical testing. Allele origin: germline.
Comment: In summary, the available evidence is currently insufficient to determine the role of this variant in disease. Therefore, it has been classified as a Variant of Uncertain Significance. Advanced modeling of protein sequence and biophysical properties (such as structural, functional, and spatial information, amino acid conservation, physicochemical variation, residue mobility, and thermodynamic stability) performed at Invitae indicates that this missense variant is not expected to disrupt DIS3L2 protein function. This variant has not been reported in the literature in individuals affected with DIS3L2-related conditions. This variant is not present in population databases (gnomAD no frequency). This sequence change replaces proline, which is neutral and non-polar, with serine, which is neutral and polar, at codon 86 of the DIS3L2 protein (p.Pro86Ser).

NM_152383.5(DIS3L2):c.256C>T (p.Pro86Ser)

Gene: DIS3L2 (DIS3 like 3'-5' exoribonuclease 2; plus strand). Cytogenetic location: 2q37.1.
Variant type: single nucleotide variant.
Coding change: c.256C>T on transcript NM_152383.5 (MANE Select); coding-DNA position 256, C replaced by T.
Protein change: p.Pro86Ser; replaces proline 86 with serine.
Molecular consequence: missense variant. On other transcripts: non-coding transcript variant (2).
Genome position (GRCh38, 1-based): chr2:232,024,322, C>T. VCF-style: chr2-232024322-C-T. GRCh37 (hg19) VCF-style: chr2-232889032-C-T.
Other names: c.256C>T, p.Pro86Ser (NM_001257281.2, NM_001257282.2); short protein forms P86S.
Identifiers: ClinVar variation 2842876 (VCV002842876.3), dbSNP rs2469611939, ClinGen allele CA351152814.